The following is an entry in ClinVar:

ClinVar aggregate classification (germline): Pathogenic. Review status: criteria provided, multiple submitters, no conflicts (2 of 4 stars). 2 submissions from 2 submitters: Pathogenic (2). Last evaluated 2026-03-10.

Conditions:
Mitochondrial complex II deficiency, nuclear type 1. Also called: SUCCINATE CoQ REDUCTASE DEFICIENCY. Identifiers: Orphanet 3208, MedGen C5700310, MONDO:0100294, OMIM 252011.
Pheochromocytoma/paraganglioma syndrome 5. Also called: Paragangliomas 5; SDHA-Related Hereditary Paraganglioma-Pheochromocytoma Syndrome. Identifiers: Orphanet 29072, MedGen C3279992, MONDO:0013602, OMIM 614165.
Hereditary cancer-predisposing syndrome. Also called: Hereditary Cancer Syndrome; Neoplastic Syndromes, Hereditary; Tumor predisposition; Hereditary neoplastic syndrome. Identifiers: Orphanet 140162, MedGen C0027672, MeSH D009386, MONDO:0015356.

Submissions (2):

Ambry Genetics
Classification: Pathogenic for Hereditary cancer-predisposing syndrome. Last evaluated: 2026-03-10. Review status: criteria provided, single submitter. Criteria: Ambry Variant Classification Scheme 2023. Collection method: clinical testing. Allele origin: germline.
Comment: The p.R355* pathogenic mutation (also known as c.1063A>T), located in coding exon 8 of the SDHA gene, results from an A to T substitution at nucleotide position 1063. This changes the amino acid from an arginine to a stop codon within coding exon 8. This variant is considered to be rare based on population cohorts in the Genome Aggregation Database (gnomAD). This alteration is expected to result in loss of function by premature protein truncation or nonsense-mediated mRNA decay. As such, this alteration is interpreted as a disease-causing mutation.

Labcorp Genetics (formerly Invitae), Labcorp
Classification: Pathogenic for Pheochromocytoma/paraganglioma syndrome 5; Mitochondrial complex II deficiency, nuclear type 1. Last evaluated: 2024-11-13. Review status: criteria provided, single submitter. Criteria: Invitae Variant Classification Sherloc (09022015). Collection method: clinical testing. Allele origin: germline.
Comment: This sequence change creates a premature translational stop signal (p.Arg355*) in the SDHA gene. It is expected to result in an absent or disrupted protein product. Loss-of-function variants in SDHA are known to be pathogenic (PMID: 22974104, 24781757). This variant is not present in population databases (gnomAD no frequency). This variant has not been reported in the literature in individuals affected with SDHA-related conditions. ClinVar contains an entry for this variant (Variation ID: 2152945). For these reasons, this variant has been classified as Pathogenic.

Literature cited by the submitters: PubMed 22974104 (cited by Labcorp Genetics (formerly Invitae), Labcorp); PubMed 24781757 (cited by Labcorp Genetics (formerly Invitae), Labcorp).

NM_004168.4(SDHA):c.1063A>T (p.Arg355Ter)

Gene: SDHA (succinate dehydrogenase complex flavoprotein subunit A; plus strand). Cytogenetic location: 5p15.33.
Variant type: single nucleotide variant.
Coding change: c.1063A>T on transcript NM_004168.4 (MANE Select); coding-DNA position 1063, A replaced by T.
Protein change: p.Arg355Ter; replaces arginine 355 with a stop codon.
Molecular consequence: nonsense.
Genome position (GRCh38, 1-based): chr5:233,644, A>T. VCF-style: chr5-233644-A-T. GRCh37 (hg19) VCF-style: chr5-233759-A-T.
Other names: c.919A>T, p.Arg307Ter (NM_001294332.2); c.1063A>T, p.Arg355Ter (NM_001330758.2); c.1063A>T (NM_004168.2); short protein forms R355*, R307*.
Identifiers: ClinVar variation 2152945 (VCV002152945.5), dbSNP rs2477351091, ClinGen allele CA359013027.
Genomic context (GRCh38, chr5:233,644, plus strand): 5'-AAGGACCTGGCGTCTAGAGATGTGGTGTCTCGGTCCATGACTCTGGAGATCCGAGAAGGA[A>T]GGTGCGTGTGATTTACCACCAGCACTGTCTGAGCGGGCACACGGGCCGGGGTTGCTTCTG-3'